The following is an entry in ClinVar:

NM_001033855.3(DCLRE1C):c.362+6G>C

Gene: DCLRE1C (DNA cross-link repair 1C; minus strand). Cytogenetic location: 10p13.
Variant type: single nucleotide variant.
Coding change: c.362+6G>C on transcript NM_001033855.3 (MANE Select); 6 bases into the intron after coding-DNA position 362, G replaced by C.
Molecular consequence: intron variant.
Genome position (GRCh38, 1-based): chr10:14,936,532, C>G on the plus strand (G>C on the coding strand, the complement: DCLRE1C is on the minus strand). VCF-style: chr10-14936532-C-G. GRCh37 (hg19) VCF-style: chr10-14978531-C-G.
Other names: c.18-968G>C (NM_001350966.2, NM_001289078.2, NM_001289076.2 and 1 more transcripts); c.362+6G>C (NM_001350965.2); c.2+6G>C (NM_001350967.2, NM_001289077.2, NM_001289079.2 and 2 more transcripts).
Identifiers: ClinVar variation 2133801 (VCV002133801.4), dbSNP rs1174899061, ClinGen allele CA925224666.
Genomic context (GRCh38, chr10:14,936,532, plus strand): 5'-ATTTATTTCTACAAATACAATATGTGTCTACATATAATAAAATGACAAAATAAATGACCC[C>G]CTTACATAACTGATCCCGGACAGTGACCAGCTGGTAAGAGAGTCACAACAATCTCTTCCT-3'

ClinVar aggregate classification (germline): Uncertain significance (1 of 4 stars; one submission).

Conditions:
Severe combined immunodeficiency due to DCLRE1C deficiency (RS-SCID). Also called: SCID, AUTOSOMAL RECESSIVE, T CELL-NEGATIVE, B CELL-NEGATIVE, NK CELL-POSITIVE, WITH SENSITIVITY TO IONIZING RADIATION. Identifiers: Orphanet 275, MedGen C1865371, MONDO:0011225, OMIM 602450.

Allele frequency attached by ClinVar (database versions not stated): gnomAD 0.00001.
gnomAD v4.1: 1 of 1,608,672 alleles (0.000062%); highest among the groups gnomAD compares: African/African-American, 0.0013%; no homozygotes.

Submission:

Labcorp Genetics (formerly Invitae), Labcorp
Classification: Uncertain significance for Athabaskan severe combined immunodeficiency. Last evaluated: 2022-05-04. Review status: criteria provided, single submitter. Criteria: Invitae Variant Classification Sherloc (09022015). Collection method: clinical testing. Allele origin: germline.
Comment: In summary, the available evidence is currently insufficient to determine the role of this variant in disease. Therefore, it has been classified as a Variant of Uncertain Significance. Variants that disrupt the consensus splice site are a relatively common cause of aberrant splicing (PMID: 17576681, 9536098). Algorithms developed to predict the effect of sequence changes on RNA splicing suggest that this variant is not likely to affect RNA splicing. This variant has not been reported in the literature in individuals affected with DCLRE1C-related conditions. This variant is not present in population databases (gnomAD no frequency). This sequence change falls in intron 5 of the DCLRE1C gene. It does not directly change the encoded amino acid sequence of the DCLRE1C protein. It affects a nucleotide within the consensus splice site.

Literature cited by the submitters: PubMed 17576681; PubMed 9536098.